The following is an entry in ClinVar:

ClinVar aggregate classification (germline): Benign. Review status: criteria provided, multiple submitters, no conflicts (2 of 4 stars). 2 submissions from 2 submitters: Benign (2). Last evaluated 2018-01-13.

Conditions:
MAPT-Related Spectrum Disorders.

Allele frequency attached by ClinVar (database versions not stated): 1000 Genomes Project 30x 0.08542; 1000 Genomes Project 0.08626; gnomAD exomes 0.09864; gnomAD 0.14155 and 0.14441; TOPMed 0.14779.
gnomAD v4.1: 21,803 of 152,742 alleles (14%); highest among the groups gnomAD compares: Non-Finnish European, 22%; 2,128 homozygotes.

Submissions (2):

Illumina Laboratory Services, Illumina
Classification: Benign for MAPT-Related Spectrum Disorders. Last evaluated: 2018-01-13. Review status: criteria provided, single submitter. Criteria: ICSL Variant Classification Criteria 13 December 2019. Collection method: clinical testing. Allele origin: germline.
Comment: This variant was observed in the ICSL laboratory as part of a predisposition screen in an ostensibly healthy population. It had not been previously curated by ICSL or reported in the Human Gene Mutation Database (HGMD: prior to June 1st, 2018), and was therefore a candidate for classification through an automated scoring system. Utilizing variant allele frequency, disease prevalence and penetrance estimates, and inheritance mode, an automated score was calculated to assess if this variant is too frequent to cause the disease. Based on the score and internal cut-off values, a variant classified as benign is not then subjected to further curation. The score for this variant resulted in a classification of benign for this disease.

Breakthrough Genomics
Classification: Benign. Review status: criteria provided, single submitter. Criteria: ACMG Guidelines, 2015. Collection method: not provided. Allele origin: germline. Inheritance: Autosomal recessive inheritance. Affected: yes.

NM_001377265.1(MAPT):c.*2079C>T

Gene: MAPT (microtubule associated protein tau). Cytogenetic location: 17q21.31.
Variant type: single nucleotide variant.
Coding change: c.*2079C>T on transcript NM_001377265.1 (MANE Select); 2079 bases downstream of the stop codon, C replaced by T.
Molecular consequence: 3 prime UTR variant. On other transcripts: non-coding transcript variant (1).
Genome position (GRCh38, 1-based): chr17:46,026,250, C>T. VCF-style: chr17-46026250-C-T. GRCh37 (hg19) VCF-style: chr17-44103616-C-T.
Other names: c.*2079C>T (NM_001123066.4, NM_001123067.4, NM_001203251.2 and 7 more transcripts); c.*1062C>T (NM_001377267.1).
Identifiers: ClinVar variation 323690 (VCV000323690.7), dbSNP rs17652748, ClinGen allele CA10649481.